The following is an entry in ClinVar:

ClinVar aggregate classification (germline): Likely benign. Review status: criteria provided, single submitter (1 of 4 stars). 2 submissions from 2 submitters: Likely benign (1). 1 of the submissions does not count toward it. Last evaluated 2025-06-10.

Conditions:
Immunodeficiency 35 (IMD35). Also called: TYK2 DEFICIENCY; HIES WITH ATYPICAL MYCOBACTERIOSIS, AUTOSOMAL RECESSIVE; HYPER-IgE SYNDROME WITH ATYPICAL MYCOBACTERIOSIS, AUTOSOMAL RECESSIVE; Susceptibility to infection due to TYK2 deficiency. Identifiers: Orphanet 331226, MedGen C1969086, MONDO:0012682, OMIM 611521.
TYK2-related disorder. Also called: TYK2-related condition.

Allele frequency attached by ClinVar (database versions not stated): TOPMed 0.00003; gnomAD exomes 0.00006.
gnomAD v4.1: 98 of 1,547,346 alleles (0.0063%); highest among the groups gnomAD compares: East Asian, 0.012%; no homozygotes.

Submissions (2):

Labcorp Genetics (formerly Invitae), Labcorp
Classification: Likely benign for Immunodeficiency 35. Last evaluated: 2025-06-10. Review status: criteria provided, single submitter. Criteria: Invitae Variant Classification Sherloc (09022015). Collection method: clinical testing. Allele origin: germline.

PreventionGenetics, part of Exact Sciences
Classification: Likely benign for TYK2-related condition. Last evaluated: 2022-08-15. Review status: no assertion criteria provided. Collection method: clinical testing. Allele origin: germline. Not counted in ClinVar's aggregate classification.
Comment: This variant is classified as likely benign based on ACMG/AMP sequence variant interpretation guidelines (Richards et al. 2015 PMID: 25741868, with internal and published modifications).

NM_003331.5(TYK2):c.2016C>T (p.Phe672=)

Gene: TYK2 (tyrosine kinase 2; minus strand). Cytogenetic location: 19p13.2.
Variant type: single nucleotide variant.
Coding change: c.2016C>T on transcript NM_003331.5 (MANE Select); coding-DNA position 2016, C replaced by T.
Protein change: p.Phe672=; no amino-acid change (phenylalanine 672 retained).
Molecular consequence: synonymous variant.
Genome position (GRCh38, 1-based): chr19:10,361,542, G>A on the plus strand (C>T on the coding strand, the complement: TYK2 is on the minus strand). VCF-style: chr19-10361542-G-A. GRCh37 (hg19) VCF-style: chr19-10472218-G-A.
Other names: c.2016C>T, p.Phe672= (NM_001385197.1, NM_001385198.1, NM_001385200.1 and 3 more transcripts); c.1830C>T, p.Phe610= (NM_001385199.1); c.1818C>T, p.Phe606= (NM_001385201.1); c.1932C>T, p.Phe644= (NM_001385202.1); c.1926C>T, p.Phe642= (NM_001385205.1); c.1890C>T, p.Phe630= (NM_001385206.1); c.1998C>T, p.Phe666= (NM_001385207.1).
Identifiers: ClinVar variation 2197875 (VCV002197875.6), dbSNP rs1019896036, ClinGen allele CA305203916.